The following is an entry in ClinVar:

ClinVar aggregate classification (germline): Uncertain significance. Review status: criteria provided, multiple submitters, no conflicts (2 of 4 stars). 4 submissions from 4 submitters: Uncertain significance (4). Last evaluated 2025-03-20.

Conditions:
POLD1-related polyposis and colorectal cancer syndrome (CRCS10). Also called: Colorectal cancer, susceptibility to, 10; Colorectal cancer 10; COLORECTAL CANCER, SUSCEPTIBILITY TO, ON CHROMOSOME 19q. Identifiers: Orphanet 220460, MedGen C2675481, MONDO:0012953, OMIM 612591.
Mandibular hypoplasia-deafness-progeroid syndrome. Also called: Mandibular hypoplasia, deafness, progeroid features, and lipodystrophy syndrome. Identifiers: Orphanet 363649, MedGen C3715192, MONDO:0014157, OMIM 615381.
Immunodeficiency 120. Identifiers: MedGen C5935622, MONDO:0970994, OMIM 620836.
Hereditary cancer-predisposing syndrome. Also called: Hereditary neoplastic syndrome; Tumor predisposition; Hereditary Cancer Syndrome; Neoplastic Syndromes, Hereditary. Identifiers: Orphanet 140162, MedGen C0027672, MeSH D009386, MONDO:0015356.

gnomAD v4.1: 2 of 1,608,958 alleles (0.00012%); no homozygotes.

Submissions (4):

Ambry Genetics
Classification: Uncertain significance for Hereditary cancer-predisposing syndrome. Last evaluated: 2025-03-20. Review status: criteria provided, single submitter. Criteria: Ambry Variant Classification Scheme 2023. Collection method: clinical testing. Allele origin: germline.
Comment: The p.V586I variant (also known as c.1756G>A), located in coding exon 13 of the POLD1 gene, results from a G to A substitution at nucleotide position 1756. The valine at codon 586 is replaced by isoleucine, an amino acid with highly similar properties. This amino acid position is highly conserved in available vertebrate species. In addition, the in silico prediction for this alteration is inconclusive. Based on the available evidence, the clinical significance of this variant remains unclear.

Labcorp Genetics (formerly Invitae), Labcorp
Classification: Uncertain significance for POLD1-related polyposis and colorectal cancer syndrome. Last evaluated: 2024-09-22. Review status: criteria provided, single submitter. Criteria: Invitae Variant Classification Sherloc (09022015). Collection method: clinical testing. Allele origin: germline.
Comment: This sequence change replaces valine, which is neutral and non-polar, with isoleucine, which is neutral and non-polar, at codon 586 of the POLD1 protein (p.Val586Ile). This variant is not present in population databases (gnomAD no frequency). This variant has not been reported in the literature in individuals affected with POLD1-related conditions. ClinVar contains an entry for this variant (Variation ID: 665354). Invitae Evidence Modeling of protein sequence and biophysical properties (such as structural, functional, and spatial information, amino acid conservation, physicochemical variation, residue mobility, and thermodynamic stability) indicates that this missense variant is expected to disrupt POLD1 protein function with a positive predictive value of 80%. In summary, the available evidence is currently insufficient to determine the role of this variant in disease. Therefore, it has been classified as a Variant of Uncertain Significance.

Department of Pathology and Laboratory Medicine, Sinai Health System
Classification: Uncertain significance for POLD1-related polyposis and colorectal cancer syndrome; Mandibular hypoplasia-deafness-progeroid syndrome; Immunodeficiency 120. Last evaluated: 2023-11-16. Review status: criteria provided, single submitter. Criteria: ACMG Guidelines, 2015. Collection method: clinical testing. Allele origin: germline. Affected: no.

Genetic Services Laboratory, University of Chicago
Classification: Uncertain significance. Last evaluated: 2021-07-28. Review status: criteria provided, single submitter. Criteria: ACMG Guidelines, 2015. Collection method: clinical testing. Allele origin: germline. Affected: no.
Comment: DNA sequence analysis of the POLD1 gene demonstrated a sequence change, c.1756G>A, in exon 14 that results in an amino acid change, p.Val586Ile. This sequence change has not been described in population databases including gnomAD. The p.Val586Ile change affects a highly conserved amino acid residue located in a domain of the POLD1 protein that is known to be functional. In-silico pathogenicity prediction tools (SIFT, PolyPhen2, Align GVGD, REVEL) provide contradictory results for the p.Val586Ile substitution. This sequence change does not appear to have been previously described in individuals with POLD1-related disorders. Due to insufficient evidences and the lack of functional studies, the clinical significance of the p.Val586Ile change remains unknown at this time.

NM_002691.4(POLD1):c.1756G>A (p.Val586Ile)

Gene: POLD1 (DNA polymerase delta 1, catalytic subunit; plus strand). Cytogenetic location: 19q13.33.
Variant type: single nucleotide variant.
Coding change: c.1756G>A on transcript NM_002691.4 (MANE Select); coding-DNA position 1756, G replaced by A.
Protein change: p.Val586Ile; replaces valine 586 with isoleucine.
Molecular consequence: missense variant. On other transcripts: non-coding transcript variant (1).
Genome position (GRCh38, 1-based): chr19:50,407,396, G>A. VCF-style: chr19-50407396-G-A. GRCh37 (hg19) VCF-style: chr19-50910653-G-A.
Other names: c.1756G>A, p.Val586Ile (NM_001256849.1, NM_001308632.1); c.1756G>A (NM_002691.2); short protein forms V586I.
Identifiers: ClinVar variation 665354 (VCV000665354.14), dbSNP rs1601221294, ClinGen allele CA406981339.